The following is an entry in ClinVar:

ClinVar aggregate classification (germline): Uncertain significance (1 of 4 stars; one submission).

Conditions:
Hereditary sensory and autonomic neuropathy type 6. Also called: HSAN VI; Neuropathy, hereditary sensory and autonomic, type VI. Identifiers: Orphanet 314381, MedGen C3539003, MONDO:0013839, OMIM 614653.
Epidermolysis bullosa simplex 3, localized or generalized intermediate, with BP230 deficiency (EBS3). Also called: Epidermolysis bullosa simplex, autosomal recessive 2; Epidermolysis bullosa simplex due to BP230 deficiency. Identifiers: Orphanet 412181, MedGen C3809470, MONDO:0014180, OMIM 615425.

Submission:

Labcorp Genetics (formerly Invitae), Labcorp
Classification: Uncertain significance for Epidermolysis bullosa simplex 3, localized or generalized intermediate, with BP230 deficiency; Hereditary sensory and autonomic neuropathy type 6. Last evaluated: 2021-12-01. Review status: criteria provided, single submitter. Criteria: Invitae Variant Classification Sherloc (09022015). Collection method: clinical testing. Allele origin: germline.
Comment: This variant is not present in population databases (gnomAD no frequency). This sequence change replaces proline, which is neutral and non-polar, with glutamine, which is neutral and polar, at codon 2038 of the DST protein (p.Pro2038Gln). This variant has not been reported in the literature in individuals affected with DST-related conditions. In summary, the available evidence is currently insufficient to determine the role of this variant in disease. Therefore, it has been classified as a Variant of Uncertain Significance. Algorithms developed to predict the effect of missense changes on protein structure and function (SIFT, PolyPhen-2, Align-GVGD) all suggest that this variant is likely to be tolerated.

NM_001723.7(DST):c.6113C>A (p.Pro2038Gln)

Gene: DST (dystonin; minus strand). Cytogenetic location: 6p12.1.
Variant type: single nucleotide variant.
Coding change: c.6113C>A on transcript NM_001723.7 (MANE Plus Clinical); coding-DNA position 6113, C replaced by A.
Protein change: p.Pro2038Gln; replaces proline 2038 with glutamine.
Molecular consequence: missense variant. On other transcripts: intron variant (10).
Genome position (GRCh38, 1-based): chr6:56,617,354, G>T on the plus strand (C>A on the coding strand, the complement: DST is on the minus strand). VCF-style: chr6-56617354-G-T. GRCh37 (hg19) VCF-style: chr6-56482152-G-T.
Other names: c.4831-2870C>A (NM_001144769.5); c.4930-2870C>A (NM_001374722.1, NM_001374736.1); c.4957-2870C>A (NM_001374734.1); c.4417-2870C>A (NM_001144770.2); c.4297-2870C>A (NM_001374730.1, NM_001386100.1, NM_183380.4 and 1 more transcripts); c.3319-2870C>A (NM_015548.5); short protein forms P2038Q.
Identifiers: ClinVar variation 1447611 (VCV001447611.6), dbSNP rs1563219260, ClinGen allele CA364565848.